The following is an entry in ClinVar:

ClinVar aggregate classification (germline): Likely pathogenic (1 of 4 stars; one submission).

Conditions:
Mucopolysaccharidosis, MPS-II (MPS2). Also called: Hunter Syndrome; IDURONATE 2-SULFATASE DEFICIENCY; Mucopolysaccharidosis Type II; Mucopolysaccharidosis type 2; Attenuated MPS (subtype; formerly known as mild MPS II); Severe MPS II. Identifiers: Orphanet 580, Orphanet 79388, MedGen C0026705, MONDO:0010674, OMIM 309900.

Submission:

Laboratory of Diagnosis and Therapy of Lysosomal Disorders, University of Padova
Classification: Likely pathogenic for Mucopolysaccharidosis, MPS-II. Last evaluated: 2024-06-07. Review status: criteria provided, single submitter. Criteria: ACMG Guidelines, 2015. Collection method: literature only. Allele origin: germline. Affected: yes. Observed: 4 variant alleles.
Comment: Absent from controls (or at low frequency) in gnomAD database (PM2_Moderate), Protein length changes in a nonrepeat region or stop–loss variants (PM4_Moderate), Patient’s phenotype or family history highly specific for the disease (PP4_Strong)

Classification method: ACMG Guidelines [PMID:25741868] with modifications

Literature cited by the submitters: PubMed 1303211; PubMed 16495038.

NM_000202.8:c.1123_1182del

Gene: IDS (iduronate 2-sulfatase; minus strand).
Variant type: Deletion.
Other names: c.1123_1182del (NM_000202.8).
Identifiers: ClinVar variation 3255969 (VCV003255969.2).